The following is an entry in ClinVar:

ClinVar aggregate classification (germline): Uncertain significance (1 of 4 stars; one submission).

Submission:

CeGaT Center for Human Genetics Tuebingen
Classification: Uncertain significance. Last evaluated: 2024-06-01. Review status: criteria provided, single submitter. Criteria: CeGaT Center For Human Genetics Tuebingen Variant Classification Criteria Version 2. Collection method: clinical testing. Allele origin: germline. Affected: yes. Observed: 1 variant allele.
Comment: FAT2: PM2, BP4

NM_001447.3(FAT2):c.5144A>G (p.Gln1715Arg)

Genes: SLC36A1 (solute carrier family 36 member 1; plus strand), FAT2 (FAT atypical cadherin 2; minus strand). Cytogenetic location: 5q33.1.
Variant type: single nucleotide variant.
Coding change: c.5144A>G on transcript NM_001447.3 (MANE Select); coding-DNA position 5144, A replaced by G.
Protein change: p.Gln1715Arg; replaces glutamine 1715 with arginine.
Molecular consequence: missense variant.
Genome position (GRCh38, 1-based): chr5:151,545,983, T>C on the plus strand (A>G on the coding strand, the complement: FAT2 is on the minus strand). VCF-style: chr5-151545983-T-C. GRCh37 (hg19) VCF-style: chr5-150925544-T-C.
Other names: short protein forms Q1715R.
Identifiers: ClinVar variation 3251052 (VCV003251052.18), dbSNP rs1278052160.